The following is an entry in ClinVar:

NM_001018115.3(FANCD2):c.1234A>G (p.Ile412Val)

Genes: FANCD2 (FA complementation group D2; plus strand), LOC107303338 (3p25 FANCD2 Alu-mediated recombination region; plus strand). Cytogenetic location: 3p25.3.
Variant type: single nucleotide variant.
Coding change: c.1234A>G on transcript NM_001018115.3 (MANE Select); coding-DNA position 1234, A replaced by G.
Protein change: p.Ile412Val; replaces isoleucine 412 with valine.
Molecular consequence: missense variant.
Genome position (GRCh38, 1-based): chr3:10,046,679, A>G. VCF-style: chr3-10046679-A-G. GRCh37 (hg19) VCF-style: chr3-10088363-A-G.
Other names: c.1234A>G, p.Ile412Val (NM_001319984.2, NM_001374253.1, NM_001374254.1 and 1 more transcripts); short protein forms I412V.
Identifiers: ClinVar variation 963557 (VCV000963557.9), dbSNP rs776482951, ClinGen allele CA2249556.

ClinVar aggregate classification (germline): Uncertain significance (1 of 4 stars; one submission).

Conditions:
Fanconi anemia (FA). Also called: Fanconi's anemia. Identifiers: Orphanet 84, MedGen C0015625, MeSH D005199, MONDO:0019391.

Allele frequency attached by ClinVar (database versions not stated): gnomAD exomes 0.00001 and 0.00003; ExAC 0.00002.
gnomAD v4.1: 17 of 1,614,216 alleles (0.0011%); highest among the groups gnomAD compares: South Asian, 0.016%; no homozygotes.

Submission:

Labcorp Genetics (formerly Invitae), Labcorp
Classification: Uncertain significance for Fanconi anemia. Last evaluated: 2022-02-17. Review status: criteria provided, single submitter. Criteria: Invitae Variant Classification Sherloc (09022015). Collection method: clinical testing. Allele origin: germline.
Comment: This sequence change replaces isoleucine, which is neutral and non-polar, with valine, which is neutral and non-polar, at codon 412 of the FANCD2 protein (p.Ile412Val). The frequency data for this variant in the population databases is considered unreliable, as metrics indicate poor data quality at this position in the gnomAD database. This variant has not been reported in the literature in individuals affected with FANCD2-related conditions. ClinVar contains an entry for this variant (Variation ID: 963557). Algorithms developed to predict the effect of missense changes on protein structure and function (SIFT, PolyPhen-2, Align-GVGD) all suggest that this variant is likely to be tolerated. In summary, the available evidence is currently insufficient to determine the role of this variant in disease. Therefore, it has been classified as a Variant of Uncertain Significance.